The following is an entry in ClinVar:

ClinVar aggregate classification (germline): Uncertain significance. Review status: criteria provided, multiple submitters, no conflicts (2 of 4 stars). 3 submissions from 3 submitters: Uncertain significance (3). Last evaluated 2026-03-24.

Conditions:
Myopathy, myofibrillar, 9, with early respiratory failure (MFM9). Also called: Myopathy, distal, with early respiratory failure, autosomal dominant; Hereditary myopathy with early respiratory failure; EDSTROM MYOPATHY; MYOPATHY, PROXIMAL, WITH EARLY RESPIRATORY MUSCLE INVOLVEMENT. Identifiers: Orphanet 178464, Orphanet 34521, MedGen C1863599, MONDO:0011362, OMIM 603689.
Dilated cardiomyopathy 1G (CMD1G). Identifiers: Orphanet 154, MedGen C1858763, MONDO:0011400, OMIM 604145.
Early-onset myopathy with fatal cardiomyopathy (CMYO5). Also called: CONGENITAL MYOPATHY 5 WITH CARDIOMYOPATHY; Salih Myopathy. Identifiers: Orphanet 289377, MedGen C2673677, MONDO:0012714, OMIM 611705. Disease mechanism: loss of function.
Hypertrophic cardiomyopathy 9. Also called: Familial hypertrophic cardiomyopathy 9. Identifiers: MedGen C1861065, MONDO:0013412, OMIM 613765.
Autosomal recessive limb-girdle muscular dystrophy type 2J (LGMDR10). Also called: MUSCULAR DYSTROPHY, LIMB-GIRDLE, AUTOSOMAL RECESSIVE 10; Limb-girdle muscular dystrophy, type 2J. Identifiers: Orphanet 140922, MedGen C1837342, MONDO:0012127, OMIM 608807.
Tibial muscular dystrophy (TMD). Also called: Tibial muscular dystrophy, tardive; Udd Distal Myopathy – Tibial Muscular Dystrophy; UDD MYOPATHY. Identifiers: Orphanet 609, MedGen C1838244, MONDO:0010870, OMIM 600334.
TTN-related disorder. Also called: TTN-related condition; TTN-related disease; TTN-related disorders.

Allele frequency attached by ClinVar (database versions not stated): gnomAD exomes below 0.00001; TOPMed 0.00002; gnomAD 0.00003 and 0.00006.
gnomAD v4.1: 9 of 1,613,864 alleles (0.00056%); highest among the groups gnomAD compares: African/African-American, 0.008%; no homozygotes.

Submissions (3):

PreventionGenetics, part of Exact Sciences
Classification: Uncertain significance for TTN-related condition. Last evaluated: 2026-03-24. Review status: criteria provided, single submitter. Criteria: ACMG Guidelines, 2015. Collection method: clinical testing. Allele origin: germline.
Comment: The TTN c.104912C>T variant is predicted to result in the amino acid substitution p.Ala34971Val. To our knowledge, this variant has not been reported in the literature. This variant is reported in 0.011% of alleles in individuals of African descent in gnomAD. At this time, the clinical significance of this variant is uncertain due to the absence of conclusive functional and genetic evidence.

Fulgent Genetics
Classification: Uncertain significance for Tibial muscular dystrophy; Myopathy, myofibrillar, 9, with early respiratory failure; Dilated cardiomyopathy 1G; Autosomal recessive limb-girdle muscular dystrophy type 2J; Early-onset myopathy with fatal cardiomyopathy; Hypertrophic cardiomyopathy 9. Last evaluated: 2021-09-21. Review status: criteria provided, single submitter. Criteria: ACMG Guidelines, 2015. Collection method: clinical testing. Allele origin: unknown.

Eurofins Ntd Llc (ga)
Classification: Uncertain significance. Last evaluated: 2018-07-03. Review status: criteria provided, single submitter. Criteria: EGL ClinVar v180209 classification definitions. Collection method: clinical testing. Allele origin: germline. Observed: 1 variant allele, 1 heterozygote.

NM_001267550.2(TTN):c.104912C>T (p.Ala34971Val)

Genes: TTN-AS1 (TTN antisense RNA 1; plus strand), TTN (titin; minus strand). Cytogenetic location: 2q31.2.
Variant type: single nucleotide variant.
Coding change: c.104912C>T on transcript NM_001267550.2 (MANE Select); coding-DNA position 104912, C replaced by T.
Protein change: p.Ala34971Val; replaces alanine 34971 with valine.
Molecular consequence: missense variant.
Genome position (GRCh38, 1-based): chr2:178,531,703, G>A on the plus strand (C>T on the coding strand, the complement: TTN is on the minus strand). VCF-style: chr2-178531703-G-A. GRCh37 (hg19) VCF-style: chr2-179396430-G-A.
Other names: c.99989C>T, p.Ala33330Val (NM_001256850.1); c.77717C>T, p.Ala25906Val (NM_003319.4); c.97208C>T, p.Ala32403Val (NM_133378.4); c.78092C>T, p.Ala26031Val (NM_133432.3); c.78293C>T, p.Ala26098Val (NM_133437.4); short protein forms A32403V, A34971V, A26031V, A25906V, A26098V, A33330V.
Identifiers: ClinVar variation 597865 (VCV000597865.7), dbSNP rs1419052992, ClinGen allele CA349409902.